The following is an entry in ClinVar:

ClinVar aggregate classification (germline): Uncertain significance (0 of 4 stars; one submission).

Conditions:
FREM2-related disorder. Also called: FREM2-related condition.

gnomAD v4.1: 14 of 1,614,050 alleles (0.00087%); highest among the groups gnomAD compares: Non-Finnish European, 0.0012%; no homozygotes.

Submission:

PreventionGenetics, part of Exact Sciences
Classification: Uncertain significance for FREM2-related condition. Last evaluated: 2024-07-21. Review status: no assertion criteria provided. Collection method: clinical testing. Allele origin: germline.
Comment: The FREM2 c.5585T>C variant is predicted to result in the amino acid substitution p.Leu1862Pro. To our knowledge, this variant has not been reported in the literature or in a large population database, indicating this variant is rare. At this time, the clinical significance of this variant is uncertain due to the absence of conclusive functional and genetic evidence.

NM_207361.6(FREM2):c.5585T>C (p.Leu1862Pro)

Gene: FREM2 (FRAS1 related extracellular matrix 2; plus strand). Cytogenetic location: 13q13.3.
Variant type: single nucleotide variant.
Coding change: c.5585T>C on transcript NM_207361.6 (MANE Select); coding-DNA position 5585, T replaced by C.
Protein change: p.Leu1862Pro; replaces leucine 1862 with proline.
Molecular consequence: missense variant.
Genome position (GRCh38, 1-based): chr13:38,769,752, T>C. VCF-style: chr13-38769752-T-C. GRCh37 (hg19) VCF-style: chr13-39343889-T-C.
Other names: short protein forms L1862P.
Identifiers: ClinVar variation 3358431 (VCV003358431.1).